The following is an entry in ClinVar:

ClinVar aggregate classification (germline): Uncertain significance. Review status: criteria provided, multiple submitters, no conflicts (2 of 4 stars). 4 submissions from 4 submitters: Uncertain significance (3). 1 of the submissions does not count toward it. Last evaluated 2025-09-05.

Conditions:
Autosomal recessive limb-girdle muscular dystrophy type 2C (LGMDR5). Also called: MUSCULAR DYSTROPHY, DUCHENNE-LIKE; MUSCULAR DYSTROPHY, LIMB-GIRDLE, AUTOSOMAL RECESSIVE 5. Identifiers: Orphanet 353, MedGen C0410173, MONDO:0009677, OMIM 253700. Disease mechanism: Affects gamma-sarcoglycan and also disrupts the integrity of the entire sarcoglycan complex..

Allele frequency attached by ClinVar (database versions not stated): gnomAD exomes 0.00003 and 0.00004; ExAC 0.00006; gnomAD 0.00033 and 0.00036; TOPMed 0.00036; ESP Exome Variant Server 0.00038.
gnomAD v4.1: 99 of 1,614,068 alleles (0.0061%); highest among the groups gnomAD compares: African/African-American, 0.13%; no homozygotes.

Submissions (4):

Myriad Genetics, Inc.
Classification: Uncertain significance for Autosomal recessive limb-girdle muscular dystrophy type 2C. Last evaluated: 2025-09-05. Review status: criteria provided, single submitter. Criteria: Myriad Autosomal Dominant, Autosomal Recessive and X-Linked Classification Criteria (2023). Collection method: clinical testing. Allele origin: unknown.
Comment: NM_000231.2(SGCG):c.716C>T(A239V) is a missense variant classified as a variant of uncertain significance in the context of gamma-sarcoglycanopathy. A239V has not been observed in cases with relevant disease. Relevant functional assessments of this variant are not available in the literature. A239V has been observed in referenced population frequency databases. In summary, there is insufficient evidence to classify NM_000231.2(SGCG):c.716C>T(A239V) as pathogenic or benign. Please note: this variant was assessed in the context of healthy population screening.

Revvity Omics, Revvity
Classification: Uncertain significance for Autosomal recessive limb-girdle muscular dystrophy type 2C. Last evaluated: 2023-09-24. Review status: criteria provided, single submitter. Criteria: ACMG Guidelines, 2015. Collection method: clinical testing. Allele origin: germline.

Labcorp Genetics (formerly Invitae), Labcorp
Classification: Uncertain significance for Autosomal recessive limb-girdle muscular dystrophy type 2C. Last evaluated: 2022-06-27. Review status: criteria provided, single submitter. Criteria: Invitae Variant Classification Sherloc (09022015). Collection method: clinical testing. Allele origin: germline.
Comment: This sequence change replaces alanine, which is neutral and non-polar, with valine, which is neutral and non-polar, at codon 239 of the SGCG protein (p.Ala239Val). This variant is present in population databases (rs149086397, gnomAD 0.08%). This variant has not been reported in the literature in individuals affected with SGCG-related conditions. ClinVar contains an entry for this variant (Variation ID: 970210). Algorithms developed to predict the effect of missense changes on protein structure and function are either unavailable or do not agree on the potential impact of this missense change (SIFT: "Deleterious"; PolyPhen-2: "Possibly Damaging"; Align-GVGD: "Class C0"). In summary, the available evidence is currently insufficient to determine the role of this variant in disease. Therefore, it has been classified as a Variant of Uncertain Significance.

Natera, Inc.
Classification: Uncertain significance for Limb-girdle muscular dystrophy type 2C. Last evaluated: 2020-07-10. Review status: no assertion criteria provided. Collection method: clinical testing. Allele origin: germline. Not counted in ClinVar's aggregate classification.

NM_000231.3(SGCG):c.716C>T (p.Ala239Val)

Gene: SGCG (sarcoglycan gamma; plus strand). Cytogenetic location: 13q12.12.
Variant type: single nucleotide variant.
Coding change: c.716C>T on transcript NM_000231.3 (MANE Select); coding-DNA position 716, C replaced by T.
Protein change: p.Ala239Val; replaces alanine 239 with valine.
Molecular consequence: missense variant.
Genome position (GRCh38, 1-based): chr13:23,324,381, C>T. VCF-style: chr13-23324381-C-T. GRCh37 (hg19) VCF-style: chr13-23898520-C-T.
Other names: c.770C>T, p.Ala257Val (NM_001378244.1); c.716C>T, p.Ala239Val (NM_001378245.1, NM_001378246.1); short protein forms A257V, A239V.
Identifiers: ClinVar variation 970210 (VCV000970210.8), dbSNP rs149086397, ClinGen allele CA6909836.